The following is an entry in ClinVar:

NM_024408.4(NOTCH2):c.2647A>G (p.Met883Val)

Gene: NOTCH2 (notch receptor 2; minus strand). Cytogenetic location: 1p12.
Variant type: single nucleotide variant.
Coding change: c.2647A>G on transcript NM_024408.4 (MANE Select); coding-DNA position 2647, A replaced by G.
Protein change: p.Met883Val; replaces methionine 883 with valine.
Molecular consequence: missense variant.
Genome position (GRCh38, 1-based): chr1:119,948,519, T>C on the plus strand (A>G on the coding strand, the complement: NOTCH2 is on the minus strand). VCF-style: chr1-119948519-T-C. GRCh37 (hg19) VCF-style: chr1-120491142-T-C.
Other names: c.2647A>G, p.Met883Val (NM_001200001.2); short protein forms M883V.
Identifiers: ClinVar variation 1386470 (VCV001386470.9), dbSNP rs145079718, ClinGen allele CA1040230.
Genomic context (GRCh38, chr1:119,948,519, plus strand): 5'-AGCCTGGTGGACATTCACACATGTAGCTGCCCTGGGTGTTATGGCAGAGACCATGGTTCA[T>C]GCAGGGCTTGGAGATACACTCGTCAATGTCAATGGTACACCGCTGACCTAGGAACACAGG-3'
Protein context (NP_077719.2, residues 873-893): DIDECISKPC[Met883Val]NHGLCHNTQG

ClinVar aggregate classification (germline): Uncertain significance. Review status: criteria provided, multiple submitters, no conflicts (2 of 4 stars). 3 submissions from 3 submitters: Uncertain significance (3). Last evaluated 2025-09-05.

Conditions:
Hajdu-Cheney syndrome (HJCYS). Also called: ACROOSTEOLYSIS WITH OSTEOPOROSIS AND CHANGES IN SKULL AND MANDIBLE; Acroosteolysis dominant type; SERPENTINE FIBULA-POLYCYSTIC KIDNEY SYNDROME. Identifiers: Orphanet 955, MedGen C0917715, MONDO:0007057, OMIM 102500.
Alagille syndrome due to a NOTCH2 point mutation. Also called: Alagille syndrome 2. Identifiers: Orphanet 261629, Orphanet 52, MedGen C1857761, MONDO:0012439, OMIM 610205.

Allele frequency attached by ClinVar (database versions not stated): gnomAD exomes 0.00001 and 0.00002; ExAC 0.00002; gnomAD 0.00004; ESP Exome Variant Server 0.00008; TOPMed 0.00008; 1000 Genomes Project 0.00020; 1000 Genomes Project 30x 0.00031.
gnomAD v4.1: 24 of 1,614,198 alleles (0.0015%); highest among the groups gnomAD compares: African/African-American, 0.016%; no homozygotes.

Submissions (3):

Labcorp Genetics (formerly Invitae), Labcorp
Classification: Uncertain significance for Hajdu-Cheney syndrome. Last evaluated: 2025-09-05. Review status: criteria provided, single submitter. Criteria: Invitae Variant Classification Sherloc (09022015). Collection method: clinical testing. Allele origin: germline.
Comment: This sequence change replaces methionine, which is neutral and non-polar, with valine, which is neutral and non-polar, at codon 883 of the NOTCH2 protein (p.Met883Val). This variant is present in population databases (rs145079718, gnomAD 0.02%). This variant has not been reported in the literature in individuals affected with NOTCH2-related conditions. ClinVar contains an entry for this variant (Variation ID: 1386470). Invitae Evidence Modeling of protein sequence and biophysical properties (such as structural, functional, and spatial information, amino acid conservation, physicochemical variation, residue mobility, and thermodynamic stability) indicates that this missense variant is not expected to disrupt NOTCH2 protein function with a negative predictive value of 80%. In summary, the available evidence is currently insufficient to determine the role of this variant in disease. Therefore, it has been classified as a Variant of Uncertain Significance.

Women's Health and Genetics/Laboratory Corporation of America, LabCorp
Classification: Uncertain significance. Last evaluated: 2024-11-27. Review status: criteria provided, single submitter. Criteria: LabCorp Variant Classification Summary - May 2015. Collection method: clinical testing. Allele origin: germline.
Comment: Variant summary: NOTCH2 c.2647A>G (p.Met883Val) results in a conservative amino acid change located in the EGF-like domain (IPR000742) of the encoded protein sequence. Four of five in-silico tools predict a benign effect of the variant on protein function. The variant allele was found at a frequency of 1.6e-05 in 251424 control chromosomes (gnomAD). The available data on variant occurrences in the general population are insufficient to allow any conclusion about variant significance. c.2647A>G has been reported in the literature (example: Carey_2020). This report does not provide unequivocal conclusions about association of the variant with Hajdu-Cheney Syndrome. To our knowledge, no experimental evidence demonstrating an impact on protein function has been reported. The following publication has been ascertained in the context of this evaluation (PMID: 32221475). ClinVar contains an entry for this variant (Variation ID: 1386470). Based on the evidence outlined above, the variant was classified as uncertain significance.

Fulgent Genetics
Classification: Uncertain significance for Hajdu-Cheney syndrome; Alagille syndrome due to a NOTCH2 point mutation. Last evaluated: 2022-04-23. Review status: criteria provided, single submitter. Criteria: ACMG Guidelines, 2015. Collection method: clinical testing. Allele origin: unknown.

Literature cited by the submitters: PubMed 32221475 (cited by Women's Health and Genetics/Laboratory Corporation of America, LabCorp).